The following is an entry in ClinVar:

ClinVar aggregate classification (germline): Uncertain significance. Review status: criteria provided, multiple submitters, no conflicts (2 of 4 stars). 2 submissions from 2 submitters: Uncertain significance (2). Last evaluated 2025-05-13.

Conditions:
Multiple endocrine neoplasia, type 2 (MEN2). Identifiers: Orphanet 653, MedGen C4048306, MONDO:0019003. Disease mechanism: gain of function.
Hereditary cancer-predisposing syndrome. Also called: Neoplastic Syndromes, Hereditary; Hereditary Cancer Syndrome; Tumor predisposition; Hereditary neoplastic syndrome. Identifiers: Orphanet 140162, MedGen C0027672, MeSH D009386, MONDO:0015356.

Allele frequency attached by ClinVar (database versions not stated): gnomAD exomes below 0.00001; TOPMed 0.00001.
gnomAD v4.1: 1 of 1,612,154 alleles (0.000062%); highest among the groups gnomAD compares: Non-Finnish European, 0.000085%; no homozygotes.

Submissions (2):

Ambry Genetics
Classification: Uncertain significance for Hereditary cancer-predisposing syndrome. Last evaluated: 2025-05-13. Review status: criteria provided, single submitter. Criteria: Ambry Variant Classification Scheme 2023. Collection method: clinical testing. Allele origin: germline.
Comment: The c.1064-3C>T intronic variant results from a C to T substitution 3 nucleotides upstream from coding exon 6 in the RET gene. This nucleotide position is well conserved in available vertebrate species. In silico splice site analysis predicts that this alteration will not have any significant effect on splicing. Based on the available evidence, the clinical significance of this variant remains unclear.

Labcorp Genetics (formerly Invitae), Labcorp
Classification: Uncertain significance for Multiple endocrine neoplasia, type 2. Last evaluated: 2023-06-09. Review status: criteria provided, single submitter. Criteria: Invitae Variant Classification Sherloc (09022015). Collection method: clinical testing. Allele origin: germline.
Comment: This variant is not present in population databases (gnomAD no frequency). This sequence change falls in intron 5 of the RET gene. It does not directly change the encoded amino acid sequence of the RET protein. It affects a nucleotide within the consensus splice site. In summary, the available evidence is currently insufficient to determine the role of this variant in disease. Therefore, it has been classified as a Variant of Uncertain Significance. Variants that disrupt the consensus splice site are a relatively common cause of aberrant splicing (PMID: 17576681, 9536098). Algorithms developed to predict the effect of sequence changes on RNA splicing suggest that this variant is not likely to affect RNA splicing. ClinVar contains an entry for this variant (Variation ID: 543790). This variant has not been reported in the literature in individuals affected with RET-related conditions.

Literature cited by the submitters: PubMed 17576681 (cited by Labcorp Genetics (formerly Invitae), Labcorp); PubMed 9536098 (cited by Labcorp Genetics (formerly Invitae), Labcorp).

NM_020975.6(RET):c.1064-3C>T

Gene: RET (ret proto-oncogene; plus strand). Cytogenetic location: 10q11.21.
Variant type: single nucleotide variant.
Coding change: c.1064-3C>T on transcript NM_020975.6 (MANE Select); 3 bases into the intron before coding-DNA position 1064, C replaced by T.
Molecular consequence: intron variant.
Genome position (GRCh38, 1-based): chr10:43,109,028, C>T. VCF-style: chr10-43109028-C-T. GRCh37 (hg19) VCF-style: chr10-43604476-C-T.
Other names: c.1064-3C>T (NM_020630.7, NM_001406743.1, NM_001406744.1 and 4 more transcripts); c.868-2179C>T (NM_001406772.1, NM_001406769.1); c.626-3C>T (NM_001406773.1, NM_001406771.1); c.626-3071C>T (NM_001406782.1, NM_001406780.1, NM_001406779.1 and 3 more transcripts); c.935-3C>T (NM_001406764.1, NM_001406762.1, NM_001406761.1 and 1 more transcripts); c.739-2179C>T (NM_001406774.1); c.497-3071C>T (NM_001406786.1, NM_001406783.1); c.776-3C>T (NM_001406770.1, NM_001406766.1, NM_001406767.1); and 5 more.
Identifiers: ClinVar variation 543790 (VCV000543790.15), dbSNP rs1286466592, ClinGen allele CA658797413.